The following continues an entry in ClinVar:

NM_007294.4(BRCA1):c.1016dup (p.Val340fs)

Gene: BRCA1. ClinVar aggregate classification (germline): Pathogenic. Pathogenic (1).

Submissions 10 to 24 of 35:

Ambry Genetics
Classification: Pathogenic for Hereditary cancer-predisposing syndrome. Last evaluated: 2024-08-01. Review status: criteria provided, single submitter. Criteria: Ambry Variant Classification Scheme 2023. Collection method: clinical testing. Allele origin: germline. Not counted in ClinVar's aggregate classification.
Comment: The c.1016dupA pathogenic mutation, located in coding exon 9 of the BRCA1 gene, results from a duplication of A at nucleotide position 1016, causing a translational frameshift with a predicted alternate stop codon (p.V340Gfs*6). This mutation has been detected in multiple breast and/or ovarian cancer families (Foretova L et al. Hum. Mutat., 2004 Apr;23:397-8; Machackova E et al. BMC Cancer, 2008 May;8:140; Laraqui A et al. Int J Med Sci, 2013 Dec;10:60-7; H&oslash;berg-Vetti H et al. Eur J Hum Genet, 2016 06;24:881-8; Azzollini J et al. Eur J Intern Med, 2016 Jul;32:65-71; Meynard G et al. Oncol. Rep., 2017 Mar;37:1573-1578; Park JS et al. Cancer Res Treat, 2017 Oct;49:1012-1021; Sun J et al. Clin Cancer Res, 2017 Oct;23:6113-6119; Li A et al. Gynecol Oncol, 2018 10;151:145-152; Carter NJ et al. Gynecol Oncol, 2018 12;151:481-488; Concolino P et al. Int J Mol Sci, 2019 Jul;20; Bu H et al. J Obstet Gynaecol Res, 2019 Nov;45:2267-2274; El Ansari FZ et al. BMC Cancer, 2020 Aug;20:747). This mutation has been described as a founder mutation originating from the Eastern population of Norway and Sweden (D&oslash;rum A et al. Am. J. Hum. Genet. 1999 Sep;65:671-9; Janaviius R. EPMA J. 2010 Sep;1:397-412; Heramb C et al. Hered Cancer Clin Pract, 2018 Jan;16:3). Of note, this alteration is also designated as 1135insA and 1128insA in published literature. In addition to the clinical data presented in the literature, this alteration is expected to result in loss of function by premature protein truncation or nonsense-mediated mRNA decay. As such, this alteration is interpreted as a disease-causing mutation.

Baylor Genetics
Classification: Pathogenic for Breast-ovarian cancer, familial, susceptibility to, 1. Last evaluated: 2024-02-23. Review status: criteria provided, single submitter. Criteria: ACMG Guidelines, 2015. Collection method: clinical testing. Allele origin: unknown. Not counted in ClinVar's aggregate classification.

ARUP Laboratories, Molecular Genetics and Genomics, ARUP Laboratories
Classification: Pathogenic. Last evaluated: 2023-12-22. Review status: criteria provided, single submitter. Criteria: ARUP Molecular Germline Variant Investigation Process 2024. Collection method: clinical testing. Allele origin: germline. Not counted in ClinVar's aggregate classification.
Comment: The BRCA1 c.1016dup; p.Val340GlyfsTer6 variant (rs80357569), also known as 1135insA in traditional nomenclature, is reported in the literature in several individuals affected with hereditary breast and/or ovarian cancer, and is considered a founder variant in the Norwegian and Swedish populations (selected publications Dorum 1999, Foretova 2004, Janavicius 2010, Laraqui 2013, Machackova 2008). This variant is also reported in ClinVar (Variation ID: 54102), absent from the Genome Aggregation Database (v2.1.1), indicating it is not a common polymorphism. This variant causes a frameshift by inserting a single nucleotide, so it is predicted to result in a truncated protein or mRNA subject to nonsense-mediated decay. Based on available information, this variant is considered to be pathogenic. References: Dorum A et al. Penetrances of BRCA1 1675delA and 1135insA with respect to breast cancer and ovarian cancer. Am J Hum Genet. 1999 Sep;65(3):671-9. PMID: 10441573. Foretova L et al. BRCA1 and BRCA2 mutations in women with familial or early-onset breast/ovarian cancer in the Czech Republic. Hum Mutat. 2004 Apr;23(4):397-8. PMID: 15024741. Janavicius R. Founder BRCA1/2 mutations in the Europe: implications for hereditary breast-ovarian cancer prevention and control. EPMA J. 2010 Sep;1(3):397-412. PMID: 23199084. Laraqui A et al. Mutation screening of the BRCA1 gene in early onset and familial breast/ovarian cancer in Moroccan population. Int J Med Sci. 2013;10(1):60-7. PMID: 23289006. Machackova E et al. Spectrum and characterisation of BRCA1 and BRCA2 deleterious mutations in high-risk Czech patients with breast and/or ovarian cancer. BMC Cancer. 2008 May 20;8:140. PMID: 18489799.

Revvity Omics, Revvity
Classification: Pathogenic. Last evaluated: 2023-02-22. Review status: criteria provided, single submitter. Criteria: ACMG Guidelines, 2015. Collection method: clinical testing. Allele origin: germline. Not counted in ClinVar's aggregate classification.

Institute of Human Genetics, University of Leipzig Medical Center
Classification: Pathogenic for Breast-ovarian cancer, familial, susceptibility to, 1. Last evaluated: 2022-12-06. Review status: criteria provided, single submitter. Criteria: ACMG Guidelines, 2015. Collection method: clinical testing. Allele origin: unknown. Affected: yes. Not counted in ClinVar's aggregate classification.
Comment: _x000D_ Criteria applied: PVS1, PM2,SUP, PS4

Mayo Clinic Laboratories, Mayo Clinic
Classification: Pathogenic. Last evaluated: 2022-11-11. Review status: criteria provided, single submitter. Criteria: ACMG Guidelines, 2015. Collection method: clinical testing. Allele origin: germline. Observed: 4 variant alleles. Not counted in ClinVar's aggregate classification.
Comment: PP5, PM2, PS4_moderate, PVS1

Human Genetics Bochum, Ruhr University Bochum
Classification: Pathogenic. Last evaluated: 2022-05-27. Review status: criteria provided, single submitter. Criteria: ACMG Guidelines, 2015. Collection method: clinical testing. Allele origin: germline. Affected: no. Not counted in ClinVar's aggregate classification.
Comment: ACMG criteria used to clasify this variant: PVS1, PM2, PS4

GeneDx
Classification: Pathogenic. Last evaluated: 2021-11-23. Review status: criteria provided, single submitter. Criteria: GeneDx Variant Classification Process June 2021. Collection method: clinical testing. Allele origin: germline. Affected: yes. Not counted in ClinVar's aggregate classification.
Comment: Reported as a pathogenic founder variant in the Norwegian population (Dorum 1999, Rudkin 2006, Torres-Mejia 2014); Frameshift variant predicted to result in protein truncation or nonsense mediated decay in a gene for which loss-of-function is a known mechanism of disease; Reported in individuals and families with Hereditary Breast and Ovarian Cancer (Borg 1999, Foretova 2004, Laraqui 2013, Yablonski-Peretz 2016); Not observed at a significant frequency in large population cohorts (Lek 2016); Truncating variants in this gene are considered pathogenic by a well-established clinical consortium and/or database; Also known as 1135dupA, 1135insA, and 1128insA; This variant is associated with the following publications: (PMID: 10595257, 15024741, 25371446, 26687385, 16287141, 23199084, 23034506, 32231684, 26350514, 10441573, 23289006, 16509964, 25814778, 18489799, 23697973, 25884701, 26845104, 28993866, 28724667, 27062684, 7894492, 28184945, 26295337, 28637432, 29673794, 28776284, 29339979, 30702160, 30078507, 30322717, 28111427, 31411802)

National Health Laboratory Service, Universitas Academic Hospital and University of the Free State
Classification: Pathogenic for Hereditary breast ovarian cancer syndrome. Last evaluated: 2021-11-16. Review status: criteria provided, single submitter. Criteria: ACMG Guidelines, 2015. Collection method: clinical testing. Allele origin: germline. Affected: yes. Observed: 1 variant allele. Not counted in ClinVar's aggregate classification.

CeGaT Center for Human Genetics Tuebingen
Classification: Pathogenic. Last evaluated: 2021-09-01. Review status: criteria provided, single submitter. Criteria: CeGaT Center For Human Genetics Tuebingen Variant Classification Criteria Version 2. Collection method: clinical testing. Allele origin: germline. Affected: yes. Observed: 2 variant alleles. Not counted in ClinVar's aggregate classification.

AiLife Diagnostics
Classification: Pathogenic. Last evaluated: 2021-04-23. Review status: criteria provided, single submitter. Criteria: ACMG Guidelines, 2015. Collection method: clinical testing. Allele origin: germline. Affected: yes. Observed: 1 variant allele. Not counted in ClinVar's aggregate classification.

Institute of Medical Genetics and Applied Genomics, University Hospital Tübingen
Classification: Pathogenic. Last evaluated: 2020-10-23. Review status: criteria provided, single submitter. Criteria: ACMG Guidelines, 2015. Collection method: clinical testing. Allele origin: germline. Inheritance: Unknown mechanism. Affected: yes. Not counted in ClinVar's aggregate classification.

Women's Health and Genetics/Laboratory Corporation of America, LabCorp
Classification: Pathogenic for Hereditary breast and ovarian cancer syndrome. Last evaluated: 2020-07-17. Review status: criteria provided, single submitter. Criteria: LabCorp Variant Classification Summary - May 2015. Collection method: clinical testing. Allele origin: germline. Not counted in ClinVar's aggregate classification.
Comment: Variant summary: BRCA1 c.1016dupA (p.Val340GlyfsX6) results in a premature termination codon, predicted to cause a truncation of the encoded protein or absence of the protein due to nonsense mediated decay, which are commonly known mechanisms for disease. Truncations downstream of this position have been classified as pathogenic by our laboratory. The variant was absent in 251174 control chromosomes (gnomAD). c.1016dupA has been reported in the literature in multiple individuals affected with Hereditary Breast And Ovarian Cancer Syndrome (e.g. Simard_1994, Ramus_2007, Palma_2008, Spearman_2008, Laraqui_2013). These data indicate that the variant is very likely to be associated with disease. Ten ClinVar submitters including an expert panel (ENIGMA) (evaluation after 2014) cite the variant as pathogenic. Based on the evidence outlined above, the variant was classified as pathogenic.

Human Genome Sequencing Center Clinical Lab, Baylor College of Medicine
Classification: Pathogenic for Familial breast-ovarian cancer 1. Last evaluated: 2019-02-01. Review status: criteria provided, single submitter. Criteria: ACMG Guidelines, 2015. Collection method: clinical testing. Allele origin: germline. Not counted in ClinVar's aggregate classification.
Comment: The c.1016dupA (p.Val340Glyfs*6) variant in the BRCA1 gene is predicted to introduce a premature translation termination codon. This variant has been reported in multiple families with hereditary breast and ovarian cancer (PMID 7894492, 10441573, 18489799, 28184945) and two individuals with sporadic breast cancer (PMID 23289006). This variant has not been observed in general population databases. Therefore, the c.1016dupA (p.Val340Glyfs*6) variant in the BRCA1 gene is classified as pathogenic.

University of Washington Department of Laboratory Medicine, University of Washington
Classification: Pathogenic for Breast-ovarian cancer, familial, susceptibility to, 1. Last evaluated: 2015-11-20. Review status: criteria provided, single submitter. Criteria: Shirts et al. (Genet Med 2016). Collection method: clinical testing. Allele origin: germline. Affected: no. Observed: 1 variant allele. Not counted in ClinVar's aggregate classification.